The following is an entry in ClinVar:

ClinVar aggregate classification (germline): Conflicting classifications of pathogenicity. Review status: criteria provided, conflicting classifications (1 of 4 stars). 2 submissions from 2 submitters: Uncertain significance (1); Likely benign (1). Last evaluated 2023-03-23.

Conditions:
Hereditary cancer-predisposing syndrome. Also called: Hereditary Cancer Syndrome; Tumor predisposition; Hereditary neoplastic syndrome; Neoplastic Syndromes, Hereditary. Identifiers: Orphanet 140162, MedGen C0027672, MeSH D009386, MONDO:0015356.
Hereditary breast ovarian cancer syndrome. Also called: Hereditary breast and/or ovarian cancer syndrome; Hereditary breast and ovarian cancer syndrome; Hereditary breast and ovarian cancer syndrome (HBOC); Breast and ovarian cancer; Hereditary breast and ovarian cancer; BRCA1- and BRCA2-Associated Hereditary Breast and Ovarian Cancer. Identifiers: Orphanet 145, MedGen C0677776, MeSH D061325, MONDO:0003582. Disease mechanism: loss of function.

Submissions (2):

University of Washington Department of Laboratory Medicine, University of Washington
Classification: Likely benign for Hereditary cancer-predisposing syndrome. Last evaluated: 2023-03-23. Review status: criteria provided, single submitter. Criteria: Dines et al. (Genet Med. 2020). Collection method: curation. Allele origin: germline.
Comment: Missense variant in a coldspot region where missense variants are very unlikely to be pathogenic (PMID:31911673).

BRCA2 exon 11 coldspot. Reclassification based on statistical prior probability.

Labcorp Genetics (formerly Invitae), Labcorp
Classification: Uncertain significance for Hereditary breast ovarian cancer syndrome. Last evaluated: 2020-11-01. Review status: criteria provided, single submitter. Criteria: Invitae Variant Classification Sherloc (09022015). Collection method: clinical testing. Allele origin: germline.
Comment: In summary, the available evidence is currently insufficient to determine the role of this variant in disease. Therefore, it has been classified as a Variant of Uncertain Significance. Advanced modeling of protein sequence and biophysical properties (such as structural, functional, and spatial information, amino acid conservation, physicochemical variation, residue mobility, and thermodynamic stability) performed at Invitae indicates that this missense variant is not expected to disrupt BRCA2 protein function. This variant has not been reported in the literature in individuals with BRCA2-related conditions. This variant is not present in population databases (ExAC no frequency). This sequence change replaces lysine with glutamic acid at codon 923 of the BRCA2 protein (p.Lys923Glu). The lysine residue is moderately conserved and there is a small physicochemical difference between lysine and glutamic acid.

NM_000059.4(BRCA2):c.2767A>G (p.Lys923Glu)

Gene: BRCA2 (BRCA2 DNA repair associated; plus strand). Cytogenetic location: 13q13.1.
Variant type: single nucleotide variant.
Coding change: c.2767A>G on transcript NM_000059.4 (MANE Select); coding-DNA position 2767, A replaced by G.
Protein change: p.Lys923Glu; replaces lysine 923 with glutamic acid.
Molecular consequence: missense variant.
Genome position (GRCh38, 1-based): chr13:32,337,122, A>G. VCF-style: chr13-32337122-A-G. GRCh37 (hg19) VCF-style: chr13-32911259-A-G.
Other names: short protein forms K923E.
Identifiers: ClinVar variation 1046105 (VCV001046105.10), dbSNP rs2072464353, ClinGen allele CA387773675.
Genomic context (GRCh38, chr13:32,337,122, plus strand): 5'-TTAGGAAATACTAAGGAACTTCATGAAACAGACTTGACTTGTGTAAACGAACCCATTTTC[A>G]AGAACTCTACCATGGTTTTATATGGAGACACAGGTGATAAACAAGCAACCCAAGTGTCAA-3'
Protein context (NP_000050.3, residues 913-933): DLTCVNEPIF[Lys923Glu]NSTMVLYGDT